The following is an entry in ClinVar:

ClinVar aggregate classification (germline): Conflicting classifications of pathogenicity. Review status: criteria provided, conflicting classifications (1 of 4 stars). 6 submissions from 6 submitters: Uncertain significance (3); Likely benign (3). Last evaluated 2025-07-03.

Conditions:
Familial thoracic aortic aneurysm and aortic dissection (TAAD). Also called: Thoracic aortic aneurysms and dissections. Identifiers: Orphanet 91387, MedGen C4707243, MONDO:0019625.
Marfan syndrome (MFS). Also called: FBN1-Related Marfan Syndrome; Marfan syndrome type 1; Marfan's syndrome; Marfan syndrome, classic; MARFAN SYNDROME, TYPE I. Identifiers: Orphanet 284963, Orphanet 558, MedGen C0024796, MONDO:0007947, OMIM 154700.

Allele frequency attached by ClinVar (database versions not stated): gnomAD exomes 0.00001 and below 0.00001; gnomAD 0.00001; TOPMed 0.00002.
gnomAD v4.1: 19 of 1,609,670 alleles (0.0012%); highest among the groups gnomAD compares: Non-Finnish European, 0.0016%; no homozygotes.

Submissions (6):

Women's Health and Genetics/Laboratory Corporation of America, LabCorp
Classification: Likely benign. Last evaluated: 2025-07-03. Review status: criteria provided, single submitter. Criteria: LabCorp Variant Classification Summary - May 2015. Collection method: clinical testing. Allele origin: germline.

Labcorp Genetics (formerly Invitae), Labcorp
Classification: Likely benign for Marfan syndrome; Familial thoracic aortic aneurysm and aortic dissection. Last evaluated: 2024-12-08. Review status: criteria provided, single submitter. Criteria: Invitae Variant Classification Sherloc (09022015). Collection method: clinical testing. Allele origin: germline.

Ambry Genetics
Classification: Likely benign for Familial thoracic aortic aneurysm and aortic dissection. Last evaluated: 2024-11-15. Review status: criteria provided, single submitter. Criteria: Ambry Variant Classification Scheme 2023. Collection method: clinical testing. Allele origin: germline.

All of Us Research Program, National Institutes of Health
Classification: Uncertain significance for Marfan syndrome. Last evaluated: 2023-12-01. Review status: criteria provided, single submitter. Criteria: ACMG Guidelines, 2015. Collection method: clinical testing. Allele origin: germline. Inheritance: Autosomal dominant inheritance. Observed: 4 variant alleles, 4 heterozygotes.
Comment: This variant causes an A to C nucleotide substitution at the -4 position of intron 45 of the FBN1 gene. To our knowledge, functional studies have not been reported for this variant. This variant has not been reported in individuals affected with FBN1-related disorders in the literature. This variant has been identified in 1/250390 chromosomes in the general population by the Genome Aggregation Database (gnomAD). The available evidence is insufficient to determine the role of this variant in disease conclusively. Therefore, this variant is classified as a Variant of Uncertain Significance.

This study involves interpretation of variants in research participants for the purpose of population health screening. Participant phenotype was not available at the time of variant classification. Additional details can be found in publication PMID: 35346344, PMCID: PMC8962531

Revvity Omics, Revvity
Classification: Uncertain significance. Last evaluated: 2021-08-28. Review status: criteria provided, single submitter. Criteria: ACMG Guidelines, 2015. Collection method: clinical testing. Allele origin: germline.

CHEO Genetics Diagnostic Laboratory, Children's Hospital of Eastern Ontario
Classification: Uncertain significance for Familial thoracic aortic aneurysm and aortic dissection. Last evaluated: 2016-07-04. Review status: criteria provided, single submitter. Criteria: ACMG Guidelines, 2015. Collection method: clinical testing. Allele origin: germline. Study: Canadian Open Genetics Repository.

NM_000138.5(FBN1):c.5546-4A>C

Gene: FBN1 (fibrillin 1; minus strand). Cytogenetic location: 15q21.1.
Variant type: single nucleotide variant.
Coding change: c.5546-4A>C on transcript NM_000138.5 (MANE Select); 4 bases into the intron before coding-DNA position 5546, A replaced by C.
Molecular consequence: intron variant.
Genome position (GRCh38, 1-based): chr15:48,448,897, T>G on the plus strand (A>C on the coding strand, the complement: FBN1 is on the minus strand). VCF-style: chr15-48448897-T-G. GRCh37 (hg19) VCF-style: chr15-48741094-T-G.
Identifiers: ClinVar variation 626590 (VCV000626590.17), dbSNP rs919423974, ClinGen allele CA269535074.
Genomic context (GRCh38, chr15:48,448,897, plus strand): 5'-TGTCAATGCACTGCCCATGACTGCATATATTGGGGATTTCTTGACATTCATTACGATCTG[T>G]AAATAAGAAGCATCTTAAGTGAGAACTTAGAAGACAAAATATAATTGAATAACTTACTTC-3'